The following is an entry in ClinVar:

NM_016038.4(SBDS):c.640C>A (p.Pro214Thr)

Gene: SBDS (SBDS ribosome maturation factor; minus strand). Cytogenetic location: 7q11.21.
Variant type: single nucleotide variant.
Coding change: c.640C>A on transcript NM_016038.4 (MANE Select); coding-DNA position 640, C replaced by A.
Protein change: p.Pro214Thr; replaces proline 214 with threonine.
Molecular consequence: missense variant.
Genome position (GRCh38, 1-based): chr7:66,988,484, G>T on the plus strand (C>A on the coding strand, the complement: SBDS is on the minus strand). VCF-style: chr7-66988484-G-T. GRCh37 (hg19) VCF-style: chr7-66453471-G-T.
Other names: short protein forms P214T.
Identifiers: ClinVar variation 3792741 (VCV003792741.1).

ClinVar aggregate classification (germline): Uncertain significance (1 of 4 stars; one submission).

Conditions:
Inborn genetic diseases. Identifiers: MedGen C0950123, MeSH D030342.

Submission:

Ambry Genetics
Classification: Uncertain significance for Inborn genetic diseases. Last evaluated: 2025-02-12. Review status: criteria provided, single submitter. Criteria: Ambry Variant Classification Scheme 2023. Collection method: clinical testing. Allele origin: germline.
Comment: The p.P214T variant (also known as c.640C>A), located in coding exon 5 of the SBDS gene, results from a C to A substitution at nucleotide position 640. The proline at codon 214 is replaced by threonine, an amino acid with highly similar properties. This amino acid position is conserved. In addition, this alteration is predicted to be deleterious by in silico analysis. Based on the available evidence, the clinical significance of this variant remains unclear.